The following is an entry in ClinVar:

ClinVar aggregate classification (germline): Uncertain significance (1 of 4 stars; one submission).

gnomAD v4.1: 1 of 1,613,988 alleles (0.000062%); no homozygotes.

Submission:

CeGaT Center for Human Genetics Tuebingen
Classification: Uncertain significance. Last evaluated: 2025-11-01. Review status: criteria provided, single submitter. Criteria: CeGaT Center For Human Genetics Tuebingen Variant Classification Criteria Version 2. Collection method: clinical testing. Allele origin: germline. Affected: yes. Observed: 1 variant allele.
Comment: MED13L: PM2

NM_015335.5(MED13L):c.2314A>T (p.Met772Leu)

Gene: MED13L (mediator complex subunit 13L; minus strand). Cytogenetic location: 12q24.21.
Variant type: single nucleotide variant.
Coding change: c.2314A>T on transcript NM_015335.5 (MANE Select); coding-DNA position 2314, A replaced by T.
Protein change: p.Met772Leu; replaces methionine 772 with leucine.
Molecular consequence: missense variant.
Genome position (GRCh38, 1-based): chr12:116,006,336, T>A on the plus strand (A>T on the coding strand, the complement: MED13L is on the minus strand). VCF-style: chr12-116006336-T-A. GRCh37 (hg19) VCF-style: chr12-116444141-T-A.
Other names: short protein forms M772L.
Identifiers: ClinVar variation 4535195 (VCV004535195.6).